The following is an entry in ClinVar:

NM_005554.4(KRT6A):c.1328G>A (p.Arg443Gln)

Gene: KRT6A (keratin 6A; minus strand). Cytogenetic location: 12q13.13.
Variant type: single nucleotide variant.
Coding change: c.1328G>A on transcript NM_005554.4 (MANE Select); coding-DNA position 1328, G replaced by A.
Protein change: p.Arg443Gln; replaces arginine 443 with glutamine.
Molecular consequence: missense variant.
Genome position (GRCh38, 1-based): chr12:52,488,424, C>T on the plus strand (G>A on the coding strand, the complement: KRT6A is on the minus strand). VCF-style: chr12-52488424-C-T. GRCh37 (hg19) VCF-style: chr12-52882208-C-T.
Other names: short protein forms R443Q.
Identifiers: ClinVar variation 3042714 (VCV003042714.2), dbSNP rs186117617, ClinGen allele CA6581880.

ClinVar aggregate classification (germline): Benign (0 of 4 stars; one submission).

Conditions:
KRT6A-related disorder. Also called: KRT6A-related condition.

Allele frequency attached by ClinVar (database versions not stated): gnomAD 0.00027; TOPMed 0.00036; ExAC 0.00049; 1000 Genomes Project 30x 0.00187; 1000 Genomes Project 0.00200.
gnomAD v4.1: 321 of 1,614,126 alleles (0.02%); highest among the groups gnomAD compares: East Asian, 0.57%; 1 homozygote.

Submission:

PreventionGenetics, part of Exact Sciences
Classification: Benign for KRT6A-related condition. Last evaluated: 2020-09-24. Review status: no assertion criteria provided. Collection method: clinical testing. Allele origin: germline.
Comment: This variant is classified as benign based on ACMG/AMP sequence variant interpretation guidelines (Richards et al. 2015 PMID: 25741868, with internal and published modifications).